The following is an entry in ClinVar:

ClinVar aggregate classification (germline): Uncertain significance (1 of 4 stars; one submission).

gnomAD v4.1: 2 of 1,564,094 alleles (0.00013%); highest among the groups gnomAD compares: South Asian, 0.0012%; no homozygotes.

Submission:

Labcorp Genetics (formerly Invitae), Labcorp
Classification: Uncertain significance. Last evaluated: 2022-08-07. Review status: criteria provided, single submitter. Criteria: Invitae Variant Classification Sherloc (09022015). Collection method: clinical testing. Allele origin: germline.
Comment: In summary, the available evidence is currently insufficient to determine the role of this variant in disease. Therefore, it has been classified as a Variant of Uncertain Significance. Advanced modeling of protein sequence and biophysical properties (such as structural, functional, and spatial information, amino acid conservation, physicochemical variation, residue mobility, and thermodynamic stability) performed at Invitae indicates that this missense variant is not expected to disrupt RP1L1 protein function. This variant has not been reported in the literature in individuals affected with RP1L1-related conditions. This variant is not present in population databases (gnomAD no frequency). This sequence change replaces threonine, which is neutral and polar, with isoleucine, which is neutral and non-polar, at codon 4 of the RP1L1 protein (p.Thr4Ile).

NM_178857.6(RP1L1):c.11C>T (p.Thr4Ile)

Gene: RP1L1 (RP1 like 1). Cytogenetic location: 8p23.1.
Variant type: single nucleotide variant.
Coding change: c.11C>T on transcript NM_178857.6 (MANE Select); coding-DNA position 11, C replaced by T.
Protein change: p.Thr4Ile; replaces threonine 4 with isoleucine.
Molecular consequence: missense variant.
Genome position (GRCh38, 1-based): chr8:10,623,191, G>A on the plus strand (C>T on the coding strand, the complement: RP1L1 is on the minus strand). VCF-style: chr8-10623191-G-A. GRCh37 (hg19) VCF-style: chr8-10480701-G-A.
Other names: short protein forms T4I.
Identifiers: ClinVar variation 1968190 (VCV001968190.5), dbSNP rs754667501, ClinGen allele CA370301329.